The following is an entry in ClinVar:

NM_001243133.2(NLRP3):c.411G>T (p.Lys137Asn)

Gene: NLRP3 (NLR family pyrin domain containing 3; plus strand). Cytogenetic location: 1q44.
Variant type: single nucleotide variant.
Coding change: c.411G>T on transcript NM_001243133.2 (MANE Select); coding-DNA position 411, G replaced by T.
Protein change: p.Lys137Asn; replaces lysine 137 with asparagine.
Molecular consequence: missense variant.
Genome position (GRCh38, 1-based): chr1:247,423,860, G>T. VCF-style: chr1-247423860-G-T. GRCh37 (hg19) VCF-style: chr1-247587162-G-T.
Other names: c.411G>T, p.Lys137Asn (NM_001079821.3, NM_001127461.3, NM_001127462.3 and 1 more transcripts); c.417G>T, p.Lys139Asn (NM_004895.5); short protein forms K139N, K137N.
Identifiers: ClinVar variation 935494 (VCV000935494.9), dbSNP rs1572167035, ClinGen allele CA345554603.

ClinVar aggregate classification (germline): Uncertain significance. Review status: criteria provided, multiple submitters, no conflicts (2 of 4 stars). 2 submissions from 2 submitters: Uncertain significance (2). Last evaluated 2023-07-31.

Conditions:
Cryopyrin associated periodic syndrome (CAPS). Identifiers: Orphanet 208650, MedGen C2316212, MONDO:0016168.
Inborn genetic diseases. Identifiers: MedGen C0950123, MeSH D030342.

Allele frequency attached by ClinVar (database versions not stated): gnomAD exomes below 0.00001; TOPMed below 0.00001.
gnomAD v4.1: 1 of 1,613,910 alleles (0.000062%); highest among the groups gnomAD compares: Admixed American, 0.0017%; no homozygotes.

Submissions (2):

Labcorp Genetics (formerly Invitae), Labcorp
Classification: Uncertain significance for Cryopyrin associated periodic syndrome. Last evaluated: 2023-07-31. Review status: criteria provided, single submitter. Criteria: Invitae Variant Classification Sherloc (09022015). Collection method: clinical testing. Allele origin: germline.
Comment: In summary, the available evidence is currently insufficient to determine the role of this variant in disease. Therefore, it has been classified as a Variant of Uncertain Significance. Advanced modeling of protein sequence and biophysical properties (such as structural, functional, and spatial information, amino acid conservation, physicochemical variation, residue mobility, and thermodynamic stability) has been performed at Invitae for this missense variant, however the output from this modeling did not meet the statistical confidence thresholds required to predict the impact of this variant on NLRP3 protein function. ClinVar contains an entry for this variant (Variation ID: 935494). This variant has not been reported in the literature in individuals affected with NLRP3-related conditions. This variant is not present in population databases (gnomAD no frequency). This sequence change replaces lysine, which is basic and polar, with asparagine, which is neutral and polar, at codon 139 of the NLRP3 protein (p.Lys139Asn).

Ambry Genetics
Classification: Uncertain significance for Inborn genetic diseases. Last evaluated: 2021-08-02. Review status: criteria provided, single submitter. Criteria: Ambry Variant Classification Scheme 2023. Collection method: clinical testing. Allele origin: germline.